The following is an entry in ClinVar:

NM_003136.4(SRP54):c.1179C>G (p.Ala393=)

Gene: SRP54 (signal recognition particle 54; plus strand). Cytogenetic location: 14q13.2.
Variant type: single nucleotide variant.
Coding change: c.1179C>G on transcript NM_003136.4 (MANE Select); coding-DNA position 1179, C replaced by G.
Protein change: p.Ala393=; no amino-acid change (alanine 393 retained).
Molecular consequence: synonymous variant. On other transcripts: intron variant (1).
Genome position (GRCh38, 1-based): chr14:35,022,932, C>G. VCF-style: chr14-35022932-C-G. GRCh37 (hg19) VCF-style: chr14-35492138-C-G.
Other names: c.1032C>G, p.Ala344= (NM_001146282.2); c.1156+3858C>G (NM_001411017.1).
Identifiers: ClinVar variation 2644163 (VCV002644163.24), dbSNP rs2502789304, ClinGen allele CA485890503.
Genomic context (GRCh38, chr14:35,022,932, plus strand): 5'-TGATAATTGTGTGTGAGAGTAACTGACCTTGTCTACAGAACTAGACAGTACGGATGGTGC[C>G]AAAGTTTTTAGTAAACAACCAGGAAGAATCCAAAGAGTAGCAAGAGGATCGGGTGTATCA-3'
Protein context (NP_003127.1, residues 383-403): NDQELDSTDG[Ala393=]KVFSKQPGRI

ClinVar aggregate classification (germline): Likely benign (1 of 4 stars; one submission).

Submission:

CeGaT Center for Human Genetics Tuebingen
Classification: Likely benign. Last evaluated: 2023-07-01. Review status: criteria provided, single submitter. Criteria: CeGaT Center For Human Genetics Tuebingen Variant Classification Criteria Version 2. Collection method: clinical testing. Allele origin: germline. Affected: yes. Observed: 1 variant allele.
Comment: SRP54: PM2:Supporting, BP4, BP7